The following is an entry in ClinVar:

NM_015311.3(OBSL1):c.2067G>C (p.Gln689His)

Gene: OBSL1 (obscurin like cytoskeletal adaptor 1; minus strand). Cytogenetic location: 2q35.
Variant type: single nucleotide variant.
Coding change: c.2067G>C on transcript NM_015311.3 (MANE Select); coding-DNA position 2067, G replaced by C.
Protein change: p.Gln689His; replaces glutamine 689 with histidine.
Molecular consequence: missense variant.
Genome position (GRCh38, 1-based): chr2:219,566,897, C>G on the plus strand (G>C on the coding strand, the complement: OBSL1 is on the minus strand). VCF-style: chr2-219566897-C-G. GRCh37 (hg19) VCF-style: chr2-220431619-C-G.
Other names: c.2067G>C, p.Gln689His (NM_001173408.2, NM_001173431.2); short protein forms Q689H.
Identifiers: ClinVar variation 5008232 (VCV005008232.1).

ClinVar aggregate classification (germline): Uncertain significance (1 of 4 stars; one submission).

gnomAD v4.1: 4 of 1,608,674 alleles (0.00025%); highest among the groups gnomAD compares: East Asian, 0.0045%; no homozygotes.

Submission:

GeneDx
Classification: Uncertain significance. Last evaluated: 2026-02-27. Review status: criteria provided, single submitter. Criteria: GeneDx Variant Classification Process June 2021. Collection method: clinical testing. Allele origin: germline.
Comment: Not observed at significant frequency in large population cohorts (gnomAD); In silico analysis suggests that this missense variant does not alter protein structure/function; Has not been previously published as pathogenic or benign to our knowledge